The following is an entry in ClinVar:

ClinVar aggregate classification (germline): Likely pathogenic. Review status: criteria provided, single submitter (1 of 4 stars). 2 submissions from 2 submitters: Likely pathogenic (1). 1 of the submissions does not count toward it. Last evaluated 2025-06-29.

Conditions:
Dilated cardiomyopathy 1G (CMD1G). Identifiers: Orphanet 154, MedGen C1858763, MONDO:0011400, OMIM 604145.
Autosomal recessive limb-girdle muscular dystrophy type 2J (LGMDR10). Also called: Limb-girdle muscular dystrophy, type 2J; MUSCULAR DYSTROPHY, LIMB-GIRDLE, AUTOSOMAL RECESSIVE 10. Identifiers: Orphanet 140922, MedGen C1837342, MONDO:0012127, OMIM 608807.

Submissions (2):

Labcorp Genetics (formerly Invitae), Labcorp
Classification: Likely pathogenic for Dilated cardiomyopathy 1G; Autosomal recessive limb-girdle muscular dystrophy type 2J. Last evaluated: 2025-06-29. Review status: criteria provided, single submitter. Criteria: Invitae Variant Classification Sherloc (09022015). Collection method: clinical testing. Allele origin: germline.
Comment: This sequence change creates a premature translational stop signal (p.Trp29185*) in the TTN gene. While this is not anticipated to result in nonsense mediated decay, it is expected to create a truncated TTN protein. This variant is not present in population databases (gnomAD no frequency). This variant has not been reported in the literature in individuals affected with TTN-related conditions. ClinVar contains an entry for this variant (Variation ID: 3363002). This variant is located in the A band of TTN (PMID: 25589632). Truncating variants in this region are significantly overrepresented in patients affected with dilated cardiomyopathy (PMID: 25589632). Truncating variants in this region have also been reported in individuals affected with autosomal recessive centronuclear myopathy (PMID: 23975875). In summary, the currently available evidence indicates that the variant is pathogenic, but additional data are needed to prove that conclusively. Therefore, this variant has been classified as Likely Pathogenic.

Cardiogenetics and Myogenetics Molecular and Cellular Functional Unit, Aphp Sorbonne University-Hopital Pitie Salpetriere
Classification: Likely pathogenic for Dilated cardiomyopathy 1G. Last evaluated: 2024-01-06. Review status: no assertion criteria provided. Collection method: clinical testing. Allele origin: germline. Affected: yes. Not counted in ClinVar's aggregate classification.

Literature cited by the submitters: PubMed 25589632 (cited by Labcorp Genetics (formerly Invitae), Labcorp); PubMed 23975875 (cited by Labcorp Genetics (formerly Invitae), Labcorp).

NM_001267550.2(TTN):c.87555G>A (p.Trp29185Ter)

Genes: TTN (titin; minus strand), TTN-AS1 (TTN antisense RNA 1; plus strand). Cytogenetic location: 2q31.2.
Variant type: single nucleotide variant.
Coding change: c.87555G>A on transcript NM_001267550.2 (MANE Select); coding-DNA position 87555, G replaced by A.
Protein change: p.Trp29185Ter; replaces tryptophan 29185 with a stop codon.
Molecular consequence: nonsense.
Genome position (GRCh38, 1-based): chr2:178,557,799, C>T on the plus strand (G>A on the coding strand, the complement: TTN is on the minus strand). VCF-style: chr2-178557799-C-T. GRCh37 (hg19) VCF-style: chr2-179422526-C-T.
Other names: c.82632G>A, p.Trp27544Ter (NM_001256850.1); c.60360G>A, p.Trp20120Ter (NM_003319.4); c.79851G>A, p.Trp26617Ter (NM_133378.4); c.60735G>A, p.Trp20245Ter (NM_133432.3); c.60936G>A, p.Trp20312Ter (NM_133437.4); short protein forms W20120*, W20245*, W20312*, W26617*, W27544*, W29185*.
Identifiers: ClinVar variation 3363002 (VCV003363002.2).